The following is an entry in ClinVar:

ClinVar aggregate classification (germline): Uncertain significance (1 of 4 stars; one submission).

Conditions:
Dyskeratosis congenita. Identifiers: Orphanet 1775, MedGen C0265965, MONDO:0015780.

Submission:

Labcorp Genetics (formerly Invitae), Labcorp
Classification: Uncertain significance for Dyskeratosis congenita. Last evaluated: 2025-07-25. Review status: criteria provided, single submitter. Criteria: Invitae Variant Classification Sherloc (09022015). Collection method: clinical testing. Allele origin: germline.
Comment: This sequence change replaces proline, which is neutral and non-polar, with arginine, which is basic and polar, at codon 431 of the TINF2 protein (p.Pro431Arg). This variant is present in population databases (rs753506686, gnomAD 0.006%). This variant has not been reported in the literature in individuals affected with TINF2-related conditions. An algorithm developed to predict the effect of missense changes on protein structure and function (PolyPhen-2) suggests that this variant is likely to be tolerated. In summary, the available evidence is currently insufficient to determine the role of this variant in disease. Therefore, it has been classified as a Variant of Uncertain Significance.

NM_001099274.3(TINF2):c.1292C>G (p.Pro431Arg)

Gene: TINF2 (TERF1 interacting nuclear factor 2; minus strand). Cytogenetic location: 14q12.
Variant type: single nucleotide variant.
Coding change: c.1292C>G on transcript NM_001099274.3 (MANE Select); coding-DNA position 1292, C replaced by G.
Protein change: p.Pro431Arg; replaces proline 431 with arginine.
Molecular consequence: missense variant. On other transcripts: 3 prime UTR variant (1).
Genome position (GRCh38, 1-based): chr14:24,239,861, G>C on the plus strand (C>G on the coding strand, the complement: TINF2 is on the minus strand). VCF-style: chr14-24239861-G-C. GRCh37 (hg19) VCF-style: chr14-24709067-G-C.
Other names: c.1187C>G, p.Pro396Arg (NM_001363668.2); c.*554C>G (NM_012461.3); short protein forms P431R, P396R.
Identifiers: ClinVar variation 4737851 (VCV004737851.1).
Genomic context (GRCh38, chr14:24,239,861, plus strand): 5'-AAAGGTCTAGAACTGTCTCTACAGTCACAGGAAGAAACAGGTATGGCACCGTGGCCAGAA[G>C]GGGGTAGGTATTCACAGAGAGTGGGTATCAAGGTGTCAAACTTTGTCTTCTGATAGTTTT-3'
Protein context (NP_001092744.1, residues 421-441): LIPTLCEYLP[Pro431Arg]SGHGAIPVSS